The following is an entry in ClinVar:

NM_000066.4(C8B):c.478A>T (p.Lys160Ter)

Gene: C8B (complement C8 beta chain; minus strand). Cytogenetic location: 1p32.2.
Variant type: single nucleotide variant.
Coding change: c.478A>T on transcript NM_000066.4 (MANE Select); coding-DNA position 478, A replaced by T.
Protein change: p.Lys160Ter; replaces lysine 160 with a stop codon.
Molecular consequence: nonsense.
Genome position (GRCh38, 1-based): chr1:56,954,741, T>A on the plus strand (A>T on the coding strand, the complement: C8B is on the minus strand). VCF-style: chr1-56954741-T-A. GRCh37 (hg19) VCF-style: chr1-57420414-T-A.
Other names: c.322A>T, p.Lys108Ter (NM_001278543.2); c.292A>T, p.Lys98Ter (NM_001278544.2); short protein forms K98*, K160*, K108*.
Identifiers: ClinVar variation 2789944 (VCV002789944.3), dbSNP rs773716735, ClinGen allele CA875971.

ClinVar aggregate classification (germline): Pathogenic (1 of 4 stars; one submission).

Allele frequency attached by ClinVar (database versions not stated): gnomAD exomes below 0.00001; TOPMed below 0.00001; gnomAD 0.00001; ExAC 0.00002.
gnomAD v4.1: 3 of 1,614,082 alleles (0.00019%); highest among the groups gnomAD compares: African/African-American, 0.0027%; no homozygotes.

Submission:

Labcorp Genetics (formerly Invitae), Labcorp
Classification: Pathogenic. Last evaluated: 2023-12-28. Review status: criteria provided, single submitter. Criteria: Invitae Variant Classification Sherloc (09022015). Collection method: clinical testing. Allele origin: germline.
Comment: This sequence change creates a premature translational stop signal (p.Lys160*) in the C8B gene. It is expected to result in an absent or disrupted protein product. Loss-of-function variants in C8B are known to be pathogenic (PMID: 7594510). This variant is present in population databases (rs773716735, gnomAD 0.01%). This variant has not been reported in the literature in individuals affected with C8B-related conditions. For these reasons, this variant has been classified as Pathogenic.

Literature cited by the submitters: PubMed 7594510.